The following is an entry in ClinVar:

ClinVar aggregate classification (germline): Uncertain significance (1 of 4 stars; one submission).

Conditions:
Neurofibromatosis, type 1 (NF1). Also called: Neurofibromatosis, type I; Peripheral type neurofibromatosis; VON RECKLINGHAUSEN DISEASE; NEUROFIBROMATOSIS, TYPE I, SOMATIC. Identifiers: Orphanet 636, MedGen C0027831, MONDO:0018975, OMIM 162200. Disease mechanism: loss of function.

Submission:

Labcorp Genetics (formerly Invitae), Labcorp
Classification: Uncertain significance for Neurofibromatosis, type 1. Last evaluated: 2023-06-30. Review status: criteria provided, single submitter. Criteria: Invitae Variant Classification Sherloc (09022015). Collection method: clinical testing. Allele origin: germline.
Comment: In summary, the available evidence is currently insufficient to determine the role of this variant in disease. Therefore, it has been classified as a Variant of Uncertain Significance. This sequence change falls in intron 20 of the NF1 gene. It does not directly change the encoded amino acid sequence of the NF1 protein. It affects a nucleotide within the consensus splice site. This variant is not present in population databases (gnomAD no frequency). This variant has not been reported in the literature in individuals affected with NF1-related conditions. Variants that disrupt the consensus splice site are a relatively common cause of aberrant splicing (PMID: 17576681, 9536098). Algorithms developed to predict the effect of sequence changes on RNA splicing suggest that this variant is not likely to affect RNA splicing.

Literature cited by the submitters: PubMed 17576681; PubMed 9536098.

NM_001042492.3(NF1):c.2410-3T>C

Gene: NF1 (neurofibromin 1; plus strand). Cytogenetic location: 17q11.2.
Variant type: single nucleotide variant.
Coding change: c.2410-3T>C on transcript NM_001042492.3 (MANE Select); 3 bases into the intron before coding-DNA position 2410, T replaced by C.
Molecular consequence: intron variant.
Genome position (GRCh38, 1-based): chr17:31,229,022, T>C. VCF-style: chr17-31229022-T-C. GRCh37 (hg19) VCF-style: chr17-29556040-T-C.
Other names: c.2410-3T>C (NM_000267.4).
Identifiers: ClinVar variation 2733691 (VCV002733691.3), dbSNP rs1450743199, ClinGen allele CA2697559726.